The following is an entry in ClinVar:

ClinVar aggregate classification (germline): Uncertain significance (1 of 4 stars; one submission).

Conditions:
Charcot-Marie-Tooth disease type 4. Also called: Charcot-Marie-Tooth, Type 4; Charcot-Marie-Tooth disease, type IV. Identifiers: Orphanet 64749, MedGen C4082197, MONDO:0018995.

Allele frequency attached by ClinVar (database versions not stated): gnomAD exomes below 0.00001.
gnomAD v4.1: 2 of 1,570,806 alleles (0.00013%); highest among the groups gnomAD compares: South Asian, 0.0011%; no homozygotes.

Submission:

Labcorp Genetics (formerly Invitae), Labcorp
Classification: Uncertain significance for Charcot-Marie-Tooth disease type 4. Last evaluated: 2022-08-15. Review status: criteria provided, single submitter. Criteria: Invitae Variant Classification Sherloc (09022015). Collection method: clinical testing. Allele origin: germline.
Comment: In summary, the available evidence is currently insufficient to determine the role of this variant in disease. Therefore, it has been classified as a Variant of Uncertain Significance. Algorithms developed to predict the effect of missense changes on protein structure and function are either unavailable or do not agree on the potential impact of this missense change (SIFT: "Tolerated"; PolyPhen-2: "Probably Damaging"; Align-GVGD: "Class C0"). This variant has not been reported in the literature in individuals affected with FIG4-related conditions. The frequency data for this variant in the population databases is considered unreliable, as metrics indicate poor data quality at this position in the gnomAD database. This sequence change replaces proline, which is neutral and non-polar, with glutamine, which is neutral and polar, at codon 644 of the FIG4 protein (p.Pro644Gln).

NM_014845.6(FIG4):c.1931C>A (p.Pro644Gln)

Gene: FIG4 (FIG4 phosphoinositide 5-phosphatase; plus strand). Cytogenetic location: 6q21.
Variant type: single nucleotide variant.
Coding change: c.1931C>A on transcript NM_014845.6 (MANE Select); coding-DNA position 1931, C replaced by A.
Protein change: p.Pro644Gln; replaces proline 644 with glutamine.
Molecular consequence: missense variant.
Genome position (GRCh38, 1-based): chr6:109,785,011, C>A. VCF-style: chr6-109785011-C-A. GRCh37 (hg19) VCF-style: chr6-110106214-C-A.
Other names: short protein forms P644Q.
Identifiers: ClinVar variation 2089126 (VCV002089126.4), dbSNP rs1193799492, ClinGen allele CA365231632.